The following is an entry in ClinVar:

ClinVar aggregate classification (germline): Conflicting classifications of pathogenicity. Review status: criteria provided, conflicting classifications (1 of 4 stars). 2 submissions from 2 submitters: Uncertain significance (1); Likely benign (1). Last evaluated 2026-02-19.

Conditions:
Hereditary breast ovarian cancer syndrome. Also called: Hereditary breast and/or ovarian cancer syndrome; Hereditary breast and ovarian cancer syndrome; Hereditary breast and ovarian cancer; Hereditary breast and ovarian cancer syndrome (HBOC); Breast and ovarian cancer; BRCA1- and BRCA2-Associated Hereditary Breast and Ovarian Cancer. Identifiers: Orphanet 145, MedGen C0677776, MeSH D061325, MONDO:0003582. Disease mechanism: loss of function.
Hereditary cancer-predisposing syndrome. Also called: Tumor predisposition; Hereditary Cancer Syndrome; Neoplastic Syndromes, Hereditary; Hereditary neoplastic syndrome. Identifiers: Orphanet 140162, MedGen C0027672, MeSH D009386, MONDO:0015356.

Submissions (2):

Ambry Genetics
Classification: Likely benign for Hereditary cancer-predisposing syndrome. Last evaluated: 2026-02-19. Review status: criteria provided, single submitter. Criteria: Ambry Variant Classification Scheme 2023. Collection method: clinical testing. Allele origin: germline.

Labcorp Genetics (formerly Invitae), Labcorp
Classification: Uncertain significance for Hereditary breast ovarian cancer syndrome. Last evaluated: 2017-12-17. Review status: criteria provided, single submitter. Criteria: Invitae Variant Classification Sherloc (09022015). Collection method: clinical testing. Allele origin: germline.
Comment: In summary, the available evidence is currently insufficient to determine the role of this variant in disease. Therefore, it has been classified as a Variant of Uncertain Significance. Algorithms developed to predict the effect of missense changes on protein structure and function output the following: SIFT: "Tolerated"; PolyPhen-2: "Benign"; Align-GVGD: "Class C0". The methionine amino acid residue is found in multiple mammalian species, suggesting that this missense change does not adversely affect protein function. These predictions have not been confirmed by published functional studies and their clinical significance is uncertain. This variant has not been reported in the literature in individuals with BRCA1-related disease. This variant is not present in population databases (ExAC no frequency). This sequence change replaces valine with methionine at codon 1493 of the BRCA1 protein (p.Val1493Met). The valine residue is moderately conserved and there is a small physicochemical difference between valine and methionine.

NM_007294.4(BRCA1):c.4477G>A (p.Val1493Met)

Gene: BRCA1 (BRCA1 DNA repair associated; minus strand). Cytogenetic location: 17q21.31.
Variant type: single nucleotide variant.
Coding change: c.4477G>A on transcript NM_007294.4 (MANE Select); coding-DNA position 4477, G replaced by A.
Protein change: p.Val1493Met; replaces valine 1493 with methionine.
Molecular consequence: missense variant. On other transcripts: non-coding transcript variant (1).
Genome position (GRCh38, 1-based): chr17:43,076,495, C>T on the plus strand (G>A on the coding strand, the complement: BRCA1 is on the minus strand). VCF-style: chr17-43076495-C-T. GRCh37 (hg19) VCF-style: chr17-41228512-C-T.
Other names: c.4264G>A, p.Val1422Met (NM_001407571.1, NM_001407898.1, NM_001407899.1 and 12 more transcripts); c.4543G>A, p.Val1515Met (NM_001407581.1, NM_001407582.1); c.4540G>A, p.Val1514Met (NM_001407583.1, NM_001407585.1, NM_001407587.1 and 1 more transcripts); c.4537G>A, p.Val1513Met (NM_001407590.1, NM_001407591.1); c.4477G>A, p.Val1493Met (NM_001407593.1, NM_001407594.1, NM_001407596.1 and 8 more transcripts); c.4474G>A, p.Val1492Met (NM_001407610.1, NM_001407611.1, NM_001407612.1 and 17 more transcripts); c.4471G>A, p.Val1491Met (NM_001407627.1, NM_001407628.1, NM_001407629.1 and 14 more transcripts); c.4462G>A, p.Val1488Met (NM_001407647.1); and 68 more; short protein forms V1493M, V1446M, V1514M, V389M, V1381M, V1404M, V1405M, V1424M.
Identifiers: ClinVar variation 531259 (VCV000531259.11), dbSNP rs949577051, ClinGen allele CA10592579.